The following is an entry in ClinVar:

ClinVar aggregate classification (germline): Likely benign (1 of 4 stars; one submission).

Conditions:
Congenital bile acid synthesis defect 2 (CBAS2). Also called: CHOLESTASIS WITH DELTA(4)-3-OXOSTEROID 5-BETA-REDUCTASE DEFICIENCY. Identifiers: Orphanet 79303, MedGen C1856127, MONDO:0009339, OMIM 235555.

Allele frequency attached by ClinVar (database versions not stated): gnomAD 0.00131; gnomAD exomes 0.00146; 1000 Genomes Project 0.00180; TOPMed 0.00181; 1000 Genomes Project 30x 0.00187.
gnomAD v4.1: 128 of 170,936 alleles (0.075%); highest among the groups gnomAD compares: East Asian, 2%; 2 homozygotes.

Submission:

Illumina Laboratory Services, Illumina
Classification: Likely benign for Congenital bile acid synthesis defect 2. Last evaluated: 2018-01-12. Review status: criteria provided, single submitter. Criteria: ICSL Variant Classification Criteria 13 December 2019. Collection method: clinical testing. Allele origin: germline.
Comment: This variant was observed in the ICSL laboratory as part of a predisposition screen in an ostensibly healthy population. It had not been previously curated by ICSL or reported in the Human Gene Mutation Database (HGMD: prior to June 1st, 2018), and was therefore a candidate for classification through an automated scoring system. Utilizing variant allele frequency, disease prevalence and penetrance estimates, and inheritance mode, an automated score was calculated to assess if this variant is too frequent to cause the disease. Based on the score and internal cut-off values, a variant classified as likely benign is not then subjected to further curation. The score for this variant resulted in a classification of likely benign for this disease.

NM_005989.4(AKR1D1):c.*417A>G

Gene: AKR1D1 (aldo-keto reductase family 1 member D1; plus strand). Cytogenetic location: 7q33.
Variant type: single nucleotide variant.
Coding change: c.*417A>G on transcript NM_005989.4 (MANE Select); 417 bases downstream of the stop codon, A replaced by G.
Molecular consequence: 3 prime UTR variant.
Genome position (GRCh38, 1-based): chr7:138,117,079, A>G. VCF-style: chr7-138117079-A-G. GRCh37 (hg19) VCF-style: chr7-137801825-A-G.
Other names: c.*417A>G (NM_001190906.2); c.*442A>G (NM_001190907.2).
Identifiers: ClinVar variation 358964 (VCV000358964.5), dbSNP rs151234162, ClinGen allele CA10625295.